The following is an entry in ClinVar:

NM_015509.4(NECAP1):c.709G>C (p.Val237Leu)

Gene: NECAP1 (NECAP endocytosis associated 1; plus strand). Cytogenetic location: 12p13.31.
Variant type: single nucleotide variant.
Coding change: c.709G>C on transcript NM_015509.4 (MANE Select); coding-DNA position 709, G replaced by C.
Protein change: p.Val237Leu; replaces valine 237 with leucine.
Molecular consequence: missense variant. On other transcripts: non-coding transcript variant (1).
Genome position (GRCh38, 1-based): chr12:8,095,633, G>C. VCF-style: chr12-8095633-G-C. GRCh37 (hg19) VCF-style: chr12-8248229-G-C.
Other names: short protein forms V237L.
Identifiers: ClinVar variation 723183 (VCV000723183.13), dbSNP rs752918460, ClinGen allele CA6432344.

ClinVar aggregate classification (germline): Likely benign. Review status: criteria provided, single submitter (1 of 4 stars). 2 submissions from 2 submitters: Likely benign (1). 1 of the submissions does not count toward it. Last evaluated 2025-11-17.

Conditions:
NECAP1-related disorder. Also called: NECAP1-related condition.
Developmental and epileptic encephalopathy, 21 (DEE21). Also called: Early infantile epileptic encephalopathy 21. Identifiers: Orphanet 442835, MedGen C4014430, MONDO:0014360, OMIM 615833.

Allele frequency attached by ClinVar (database versions not stated): gnomAD below 0.00001 and 0.00007; TOPMed 0.00002; 1000 Genomes Project 30x 0.00016; 1000 Genomes Project 0.00020; gnomAD exomes 0.00023 and 0.00054; ExAC 0.00063.
gnomAD v4.1: 339 of 1,613,748 alleles (0.021%); highest among the groups gnomAD compares: South Asian, 0.36%; 7 homozygotes.

Submissions (2):

Labcorp Genetics (formerly Invitae), Labcorp
Classification: Likely benign for Developmental and epileptic encephalopathy, 21. Last evaluated: 2025-11-17. Review status: criteria provided, single submitter. Criteria: Invitae Variant Classification Sherloc (09022015). Collection method: clinical testing. Allele origin: germline.

PreventionGenetics, part of Exact Sciences
Classification: Likely benign for NECAP1-related condition. Last evaluated: 2022-10-07. Review status: no assertion criteria provided. Collection method: clinical testing. Allele origin: germline. Not counted in ClinVar's aggregate classification.
Comment: This variant is classified as likely benign based on ACMG/AMP sequence variant interpretation guidelines (Richards et al. 2015 PMID: 25741868, with internal and published modifications).